The following is an entry in ClinVar:

ClinVar aggregate classification (germline): Pathogenic. Review status: criteria provided, multiple submitters, no conflicts (2 of 4 stars). 13 submissions from 12 submitters: Pathogenic (10). 3 of the submissions do not count toward it. Last evaluated 2026-05-18.

Conditions:
MYO7A-related disorder. Also called: MYO7A-related disorders.
Rare genetic deafness. Identifiers: Orphanet 96210, MedGen C5680250.
Retinal dystrophy. Also called: Inherited retinal dystrophy. Identifiers: Orphanet 71862, MedGen C0854723, MeSH D058499, MONDO:0019118, HP:0000556.
Usher syndrome type 1 (USH1). Also called: RETINITIS PIGMENTOSA AND CONGENITAL DEAFNESS. Identifiers: Orphanet 231169, Orphanet 886, MedGen C1568247, MONDO:0010168, OMIM 276900.
Autosomal recessive nonsyndromic hearing loss 2. Also called: DEAFNESS, AUTOSOMAL RECESSIVE 2; NEUROSENSORY NONSYNDROMIC RECESSIVE DEAFNESS 2. Identifiers: Orphanet 90636, MedGen C1838701, MONDO:0010807, OMIM 600060.
Autosomal dominant nonsyndromic hearing loss 11. Identifiers: Orphanet 90635, MedGen C1832475, MONDO:0011032, OMIM 601317.
Usher syndrome type 1B (USH1B). Also called: Usher syndrome type IB. Identifiers: MedGen C1848638, MONDO:0700087.

Submissions (13):

PreventionGenetics, part of Exact Sciences
Classification: Pathogenic for MYO7A-related condition. Last evaluated: 2026-05-18. Review status: criteria provided, single submitter. Criteria: ACMG Guidelines, 2015. Collection method: clinical testing. Allele origin: germline.
Comment: The MYO7A c.6025delG variant is predicted to result in a frameshift and premature protein termination (p.Ala2009Profs*32). This variant has been reported in the homozygous or compound heterozygous state in several individuals with Usher syndrome 1b or non-syndromic hearing loss (see for example: Aparisi et al. 2014. PubMed ID: 25404053; Bakhchane et al. 2017. PubMed ID: 28472130; Dockery et al. 2017. PubMed ID: 29099798). This variant is reported in 0.0032% of alleles in individuals of European (Non-Finnish) descent in gnomAD. Frameshift variants in MYO7A are expected to be pathogenic. This variant is interpreted as pathogenic.

GeneDx
Classification: Pathogenic. Last evaluated: 2026-02-03. Review status: criteria provided, single submitter. Criteria: GeneDx Variant Classification Process June 2021. Collection method: clinical testing. Allele origin: germline.
Comment: Frameshift variant predicted to result in protein truncation or nonsense mediated decay in a gene for which loss of function is a known mechanism of disease; This variant is associated with the following publications: (PMID: 10930322, 32483926, 25404053, 28472130, 28944237, 31479088, 31589614, 33576163, 33297549, 31964843, 34948090, 31836858, 26872967, 29099798, 27743452, 33710140, 38219857, 12112664)

Labcorp Genetics (formerly Invitae), Labcorp
Classification: Pathogenic. Last evaluated: 2025-08-18. Review status: criteria provided, single submitter. Criteria: Invitae Variant Classification Sherloc (09022015). Collection method: clinical testing. Allele origin: germline.
Comment: This sequence change creates a premature translational stop signal (p.Ala2009Profs*32) in the MYO7A gene. It is expected to result in an absent or disrupted protein product. Loss-of-function variants in MYO7A are known to be pathogenic (PMID: 8900236, 25404053). This variant is present in population databases (rs752136791, gnomAD 0.003%). This premature translational stop signal has been observed in individuals with Usher syndrome (PMID: 10930322, 25404053). This variant is also known as Met2018 (1-bp del G). ClinVar contains an entry for this variant (Variation ID: 43313). For these reasons, this variant has been classified as Pathogenic.

Centre of Medical Genetics, University Hospital Muenster
Classification: Pathogenic. Last evaluated: 2025-08-06. Review status: criteria provided, single submitter. Criteria: ACMG Guidelines, 2015. Collection method: clinical testing. Allele origin: unknown. Affected: yes. Observed: 1 variant allele, 1 heterozygote.
Comment: ACMG categories: PVS1,PM2_sup,PM3,PP4

Revvity Omics, Revvity
Classification: Pathogenic. Last evaluated: 2025-03-05. Review status: criteria provided, single submitter. Criteria: ACMG Guidelines, 2015. Collection method: clinical testing. Allele origin: germline.

Natera, Inc.
Classification: Pathogenic for Usher syndrome type 1B. Last evaluated: 2025-02-17. Review status: criteria provided, single submitter. Criteria: Natera Variant Classification Schema (03/2026). Collection method: clinical testing. Allele origin: germline.
Comment: The c.6025delG variant in MYO7A is a frameshift variant predicted to shift the reading frame beginning at codon 2009 and leads to a stop codon 32 codons downstream. This variant is expected to result in nonsense mediated decay, truncation, or a dysfunctional protein product. This variant is rare in the general population with a frequency below the threshold expected for the associated phenotype(s). This variant has been observed in one or more individuals affected with the associated recessive disease, as either homozygous or compound heterozygous with a second variant (PMID: 31479088). Given the available evidence, this variant is classified as Pathogenic.

Blueprint Genetics
Classification: Pathogenic for MYO7A-related disorders. Last evaluated: 2024-10-04. Review status: criteria provided, single submitter. Criteria: ACMG Guidelines, 2015. Collection method: clinical testing. Allele origin: germline. Affected: yes. Observed: 5 variant alleles.

Fulgent Genetics
Classification: Pathogenic for Usher syndrome type 1; Autosomal recessive nonsyndromic hearing loss 2; Autosomal dominant nonsyndromic hearing loss 11. Last evaluated: 2024-05-10. Review status: criteria provided, single submitter. Criteria: ACMG Guidelines, 2015. Collection method: clinical testing. Allele origin: germline.

Institute of Human Genetics, Univ. Regensburg, Univ. Regensburg
Classification: Pathogenic for Retinal dystrophy. Last evaluated: 2018-01-01. Review status: criteria provided, single submitter. Criteria: ACMG Guidelines, 2015. Collection method: clinical testing. Allele origin: germline. Affected: yes.

Laboratory for Molecular Medicine, Mass General Brigham Personalized Medicine
Classification: Pathogenic for Rare genetic deafness. Last evaluated: 2016-03-17. Review status: criteria provided, single submitter. Criteria: LMM Criteria. Collection method: clinical testing. Allele origin: germline. Inheritance: Autosomal recessive inheritance. Observed: 7 variant alleles.
Comment: The p.Ala2009fs variant in MYO7A has been reported in at least 10 unrelated indi viduals with Usher syndrome including 4 homozygotes and 3 compound heterozygotes , segregated with disease in one family, and was absent from over 400 race-match ed control chromosomes or large population studies (Bharadwaj 2000, Gerber 2006, Jaijo 2007, Jaijo 2009, Maubaret 2005, Najera 2002, Roux 2006, LMM data). This variant is predicted to cause a frameshift, which alters the protein's amino aci d sequence beginning at codon 2009 and leads to a premature stop codon 32 codons downstream. This alteration is then predicted to lead to a truncated or absent protein. In summary, this variant meets our criteria to be classified as pathoge nic for Usher syndrome in an autosomal recessive manner. ACMG/AMP Criteria appli ed: PVS1, PM2, PM3_Very Strong, PP4.

Counsyl
Classification: Pathogenic for Usher syndrome type 1. Last evaluated: 2017-07-07. Review status: no assertion criteria provided. Collection method: clinical testing. Allele origin: unknown. Not counted in ClinVar's aggregate classification.

Counsyl
Classification: Pathogenic for Autosomal recessive nonsyndromic hearing loss 2. Last evaluated: 2017-07-07. Review status: no assertion criteria provided. Collection method: clinical testing. Allele origin: unknown. Not counted in ClinVar's aggregate classification.

Centre for Genomic Medicine, Manchester, Central Manchester University Hospitals
Classification: Pathogenic for Usher syndrome type 1. Last evaluated: 2015-01-30. Review status: no assertion criteria provided. Collection method: clinical testing. Allele origin: germline. Affected: yes. Not counted in ClinVar's aggregate classification.

Literature cited by the submitters: PubMed 8900236 (cited by Labcorp Genetics (formerly Invitae), Labcorp); PubMed 25404053 (cited by Labcorp Genetics (formerly Invitae), Labcorp and Institute of Human Genetics, Univ. Regensburg, Univ. Regensburg); PubMed 10930322 (cited by 3 submitters); PubMed 31479088 (cited by Natera, Inc. and Institute of Human Genetics, Univ. Regensburg, Univ. Regensburg); PubMed 28472130 (cited by Institute of Human Genetics, Univ. Regensburg, Univ. Regensburg); PubMed 29099798 (cited by Institute of Human Genetics, Univ. Regensburg, Univ. Regensburg); PubMed 27743452 (cited by Institute of Human Genetics, Univ. Regensburg, Univ. Regensburg); PubMed 28944237 (cited by Institute of Human Genetics, Univ. Regensburg, Univ. Regensburg); PubMed 31589614 (cited by Institute of Human Genetics, Univ. Regensburg, Univ. Regensburg); PubMed 32483926 (cited by Institute of Human Genetics, Univ. Regensburg, Univ. Regensburg); PubMed 33297549 (cited by Institute of Human Genetics, Univ. Regensburg, Univ. Regensburg); PubMed 31964843 (cited by Institute of Human Genetics, Univ. Regensburg, Univ. Regensburg); PubMed 33710140 (cited by Institute of Human Genetics, Univ. Regensburg, Univ. Regensburg); PubMed 33576163 (cited by Institute of Human Genetics, Univ. Regensburg, Univ. Regensburg); PubMed 34948090 (cited by Institute of Human Genetics, Univ. Regensburg, Univ. Regensburg); PubMed 17361009 (cited by Laboratory for Molecular Medicine, Mass General Brigham Personalized Medicine); PubMed 19683999 (cited by Laboratory for Molecular Medicine, Mass General Brigham Personalized Medicine); PubMed 15823922 (cited by Laboratory for Molecular Medicine, Mass General Brigham Personalized Medicine); PubMed 12112664 (cited by Laboratory for Molecular Medicine, Mass General Brigham Personalized Medicine); PubMed 16679490 (cited by Laboratory for Molecular Medicine, Mass General Brigham Personalized Medicine); PubMed 16400615 (cited by Laboratory for Molecular Medicine, Mass General Brigham Personalized Medicine); PubMed 22135276 (cited by Counsyl); PubMed 21436283 (cited by Counsyl); PubMed 26872967 (cited by Centre for Genomic Medicine, Manchester, Central Manchester University Hospitals).

NM_000260.4(MYO7A):c.6025del (p.Ala2009fs)

Gene: MYO7A (myosin VIIA; plus strand). Cytogenetic location: 11q13.5.
Variant type: Deletion.
Coding change: c.6025del on transcript NM_000260.4 (MANE Select); coding-DNA position 6025, one base deleted (G; older notation c.6025delG).
Protein change: p.Ala2009fs; shifts the reading frame from alanine 2009.
Molecular consequence: frameshift variant.
Genome position (GRCh38, 1-based): chr11:77,208,777, G deleted; the last of 2 consecutive G bases (chr11:77,208,776-77,208,777); deleting either gives the same sequence. VCF-style (leftmost placement, unchanged base first): chr11-77208775-TG-T. GRCh37 (hg19) VCF-style: chr11-76919820-TG-T.
Other names: c.6025delG (NM_000260.4); c.5911del, p.Ala1971fs (NM_001127180.2); c.5878del, p.Ala1960fs (NM_001369365.1); c.6025del (NM_000260.3); short protein forms A1971fs, A1960fs, A2009fs.
Identifiers: ClinVar variation 43313 (VCV000043313.28), dbSNP rs397516326, ClinGen allele CA278702.